The following is an entry in ClinVar:

ClinVar aggregate classification (germline): Uncertain significance (1 of 4 stars; one submission).

Conditions:
Charcot-Marie-Tooth disease axonal type 2O. Also called: CHARCOT-MARIE-TOOTH NEUROPATHY, AXONAL, TYPE 2O; CHARCOT-MARIE-TOOTH DISEASE, AXONAL, AUTOSOMAL DOMINANT, TYPE 2O; Charcot-Marie-Tooth Neuropathy Type 2O; Charcot-Marie-Tooth disease, axonal, type 20. Identifiers: Orphanet 284232, MedGen C3280220, MONDO:0013644, OMIM 614228.

Submission:

Labcorp Genetics (formerly Invitae), Labcorp
Classification: Uncertain significance for Charcot-Marie-Tooth disease axonal type 2O. Last evaluated: 2023-10-17. Review status: criteria provided, single submitter. Criteria: Invitae Variant Classification Sherloc (09022015). Collection method: clinical testing. Allele origin: germline.
Comment: This sequence change replaces valine, which is neutral and non-polar, with alanine, which is neutral and non-polar, at codon 1339 of the DYNC1H1 protein (p.Val1339Ala). This variant is not present in population databases (gnomAD no frequency). This variant has not been reported in the literature in individuals affected with DYNC1H1-related conditions. Advanced modeling of protein sequence and biophysical properties (such as structural, functional, and spatial information, amino acid conservation, physicochemical variation, residue mobility, and thermodynamic stability) performed at Invitae indicates that this missense variant is not expected to disrupt DYNC1H1 protein function. In summary, the available evidence is currently insufficient to determine the role of this variant in disease. Therefore, it has been classified as a Variant of Uncertain Significance.

NM_001376.5(DYNC1H1):c.4016T>C (p.Val1339Ala)

Gene: DYNC1H1 (dynein cytoplasmic 1 heavy chain 1; plus strand). Cytogenetic location: 14q32.31.
Variant type: single nucleotide variant.
Coding change: c.4016T>C on transcript NM_001376.5 (MANE Select); coding-DNA position 4016, T replaced by C.
Protein change: p.Val1339Ala; replaces valine 1339 with alanine.
Molecular consequence: missense variant.
Genome position (GRCh38, 1-based): chr14:102,000,341, T>C. VCF-style: chr14-102000341-T-C. GRCh37 (hg19) VCF-style: chr14-102466678-T-C.
Other names: short protein forms V1339A.
Identifiers: ClinVar variation 2912182 (VCV002912182.3), dbSNP rs2503727277, ClinGen allele CA391039253.